The following is an entry in ClinVar:

NM_177438.3(DICER1):c.3576_3577insTA (p.Asn1193Ter)

Gene: DICER1 (dicer 1, ribonuclease III; minus strand). Cytogenetic location: 14q32.13.
Variant type: Insertion.
Coding change: c.3576_3577insTA on transcript NM_177438.3 (MANE Select); coding-DNA positions 3576 to 3577, TA inserted.
Protein change: p.Asn1193Ter; replaces asparagine 1193 with a stop codon.
Molecular consequence: nonsense. On other transcripts: frameshift variant (1), non-coding transcript variant (6).
Genome position: GRCh38 VCF-style: chr14-95103819-T-TTA. GRCh37 (hg19) VCF-style: chr14-95570156-T-TTA.
Other names: c.3576_3577insTA, p.Asn1193Ter (NM_001195573.1, NM_001271282.3, NM_001291628.2 and 12 more transcripts); c.3576_3577insTA, p.Asn1193Terfs (NM_001395681.1); c.3294_3295insTA, p.Asn1099Ter (NM_001395686.1); c.3171_3172insTA, p.Asn1058Ter (NM_001395687.1, NM_001395688.1, NM_001395689.1 and 2 more transcripts); c.3009_3010insTA, p.Asn1004Ter (NM_001395691.1); c.1893_1894insTA, p.Asn632Ter (NM_001395697.1); short protein forms N1058*, N1099*, N632*, N1193*, N1004*.
Identifiers: ClinVar variation 2000323 (VCV002000323.4), dbSNP rs2542707852, ClinGen allele CA2580088972.
Genomic context (GRCh38, chr14:95,103,819, plus strand): 5'-GTTGCACGGGTATTTCCTGCTTGTAGTAATTTAGCTGATTTCCTTGGCAAAAGTCTCTGT[T>TTA]AGCTAAATCATAACTGCCATTGGCGAGATTTTGATTGTAAGAAAGACCATTAATTGCTGT-3'

ClinVar aggregate classification (germline): Pathogenic (1 of 4 stars; one submission).

Conditions:
DICER1-related tumor predisposition. Also called: DICER1-related pleuropulmonary blastoma cancer predisposition syndrome; DICER1 syndrome. Identifiers: Orphanet 284343, MedGen C3839822, MONDO:0100216.

Submission:

Labcorp Genetics (formerly Invitae), Labcorp
Classification: Pathogenic for DICER1-related tumor predisposition. Last evaluated: 2022-05-29. Review status: criteria provided, single submitter. Criteria: Invitae Variant Classification Sherloc (09022015). Collection method: clinical testing. Allele origin: germline.
Comment: This sequence change creates a premature translational stop signal (p.Asn1193*) in the DICER1 gene. It is expected to result in an absent or disrupted protein product. Loss-of-function variants in DICER1 are known to be pathogenic (PMID: 19556464, 21266384). This variant is not present in population databases (gnomAD no frequency). This variant has not been reported in the literature in individuals affected with DICER1-related conditions. For these reasons, this variant has been classified as Pathogenic.

Literature cited by the submitters: PubMed 19556464; PubMed 21266384.